The following is an entry in ClinVar:

NM_000059.4(BRCA2):c.3732T>G (p.Ile1244Met)

Gene: BRCA2 (BRCA2 DNA repair associated; plus strand). Cytogenetic location: 13q13.1.
Variant type: single nucleotide variant.
Coding change: c.3732T>G on transcript NM_000059.4 (MANE Select); coding-DNA position 3732, T replaced by G.
Protein change: p.Ile1244Met; replaces isoleucine 1244 with methionine.
Molecular consequence: missense variant. On other transcripts: non-coding transcript variant (1), intron variant (2).
Genome position (GRCh38, 1-based): chr13:32,338,087, T>G. VCF-style: chr13-32338087-T-G. GRCh37 (hg19) VCF-style: chr13-32912224-T-G.
Other names: c.3732T>G, p.Ile1244Met (NM_001406719.1, NM_001406720.1, NM_001432077.1); c.1909+4700T>G (NM_001406721.1); c.425-6471T>G (NM_001406722.1); short protein forms I1244M.
Identifiers: ClinVar variation 4628496 (VCV004628496.1).
Genomic context (GRCh38, chr13:32,338,087, plus strand): 5'-CACAAAACTGAATGTTTCTACTGAAGCTCTGCAAAAAGCTGTGAAACTGTTTAGTGATAT[T>G]GAGAATATTAGTGAGGAAACTTCTGCAGAGGTACATCCAATAAGTTTATCTTCAAGTAAA-3'
Protein context (NP_000050.3, residues 1234-1254): LQKAVKLFSD[Ile1244Met]ENISEETSAE

ClinVar aggregate classification (germline): Uncertain significance (1 of 4 stars; one submission).

Conditions:
Hereditary cancer-predisposing syndrome. Also called: Neoplastic Syndromes, Hereditary; Tumor predisposition; Hereditary Cancer Syndrome; Hereditary neoplastic syndrome. Identifiers: Orphanet 140162, MedGen C0027672, MeSH D009386, MONDO:0015356.

Submission:

Ambry Genetics
Classification: Uncertain significance for Hereditary cancer-predisposing syndrome. Last evaluated: 2025-09-22. Review status: criteria provided, single submitter. Criteria: Ambry Variant Classification Scheme 2023. Collection method: clinical testing. Allele origin: germline.
Comment: The p.I1244M variant (also known as c.3732T>G), located in coding exon 10 of the BRCA2 gene, results from a T to G substitution at nucleotide position 3732. The isoleucine at codon 1244 is replaced by methionine, an amino acid with highly similar properties. This amino acid position is conserved. In addition, the in silico prediction for this alteration is inconclusive. Based on the available evidence, the clinical significance of this variant remains unclear.